The following is an entry in ClinVar:

ClinVar aggregate classification (germline): Uncertain significance (1 of 4 stars; one submission).

Submission:

Ambry Genetics
Classification: Uncertain significance. Last evaluated: 2025-02-08. Review status: criteria provided, single submitter. Criteria: Ambry Variant Classification Scheme 2023. Collection method: clinical testing. Allele origin: germline.
Comment: The p.L311V variant (also known as c.931C>G), located in coding exon 7 of the RNF43 gene, results from a C to G substitution at nucleotide position 931. The leucine at codon 311 is replaced by valine, an amino acid with highly similar properties. This amino acid position is conserved. In addition, this alteration is predicted to be tolerated by in silico analysis. Based on the available evidence, the clinical significance of this variant remains unclear.

NM_017763.6(RNF43):c.931C>G (p.Leu311Val)

Gene: RNF43 (ring finger protein 43; minus strand). Cytogenetic location: 17q22.
Variant type: single nucleotide variant.
Coding change: c.931C>G on transcript NM_017763.6 (MANE Select); coding-DNA position 931, C replaced by G.
Protein change: p.Leu311Val; replaces leucine 311 with valine.
Molecular consequence: missense variant.
Genome position (GRCh38, 1-based): chr17:58,360,170, G>C on the plus strand (C>G on the coding strand, the complement: RNF43 is on the minus strand). VCF-style: chr17-58360170-G-C. GRCh37 (hg19) VCF-style: chr17-56437531-G-C.
Other names: c.931C>G, p.Leu311Val (NM_001305544.3); c.550C>G, p.Leu184Val (NM_001305545.2); short protein forms L184V, L311V.
Identifiers: ClinVar variation 3789934 (VCV003789934.1).